The following is an entry in ClinVar:

NM_001081.4(CUBN):c.1523T>C (p.Met508Thr)

Gene: CUBN (cubilin; minus strand). Cytogenetic location: 10p13.
Variant type: single nucleotide variant.
Coding change: c.1523T>C on transcript NM_001081.4 (MANE Select); coding-DNA position 1523, T replaced by C.
Protein change: p.Met508Thr; replaces methionine 508 with threonine.
Molecular consequence: missense variant.
Genome position (GRCh38, 1-based): chr10:17,103,132, A>G on the plus strand (T>C on the coding strand, the complement: CUBN is on the minus strand). VCF-style: chr10-17103132-A-G. GRCh37 (hg19) VCF-style: chr10-17145131-A-G.
Other names: short protein forms M508T.
Identifiers: ClinVar variation 2010859 (VCV002010859.4), dbSNP rs140039617, ClinGen allele CA5425264.

ClinVar aggregate classification (germline): Uncertain significance (1 of 4 stars; one submission).

Conditions:
Imerslund-Grasbeck syndrome. Also called: ENTEROCYTE COBALAMIN MALABSORPTION; ENTEROCYTE INTRINSIC FACTOR RECEPTOR, DEFECT OF; PERNICIOUS ANEMIA, JUVENILE, DUE TO SELECTIVE INTESTINAL MALABSORPTION OF VITAMIN B12, WITH PROTEINURIA; Megaloblastic anemia due to inborn errors of metabolism; Imerslund-Gräsbeck syndrome. Identifiers: Orphanet 35858, MedGen C4551825, MONDO:0009853.

Allele frequency attached by ClinVar (database versions not stated): ExAC 0.00001; ESP Exome Variant Server 0.00008.
gnomAD v4.1: 7 of 1,602,830 alleles (0.00044%); highest among the groups gnomAD compares: Non-Finnish European, 0.0006%; no homozygotes.

Submission:

Labcorp Genetics (formerly Invitae), Labcorp
Classification: Uncertain significance for Imerslund-Grasbeck syndrome. Last evaluated: 2024-05-22. Review status: criteria provided, single submitter. Criteria: Invitae Variant Classification Sherloc (09022015). Collection method: clinical testing. Allele origin: germline.
Comment: This sequence change replaces methionine, which is neutral and non-polar, with threonine, which is neutral and polar, at codon 508 of the CUBN protein (p.Met508Thr). This variant is present in population databases (rs140039617, gnomAD 0.007%). This variant has not been reported in the literature in individuals affected with CUBN-related conditions. ClinVar contains an entry for this variant (Variation ID: 2010859). Advanced modeling of protein sequence and biophysical properties (such as structural, functional, and spatial information, amino acid conservation, physicochemical variation, residue mobility, and thermodynamic stability) performed at Invitae indicates that this missense variant is not expected to disrupt CUBN protein function with a negative predictive value of 80%. In summary, the available evidence is currently insufficient to determine the role of this variant in disease. Therefore, it has been classified as a Variant of Uncertain Significance.